The following is an entry in ClinVar:

ClinVar aggregate classification (germline): Pathogenic (1 of 4 stars; one submission).

Conditions:
Alstrom syndrome (ALMS). Identifiers: Orphanet 64, MedGen C0268425, MONDO:0008763, OMIM 203800.

Submission:

Labcorp Genetics (formerly Invitae), Labcorp
Classification: Pathogenic for Alstrom syndrome. Last evaluated: 2020-10-13. Review status: criteria provided, single submitter. Criteria: Invitae Variant Classification Sherloc (09022015). Collection method: clinical testing. Allele origin: germline.
Comment: A gross deletion of the genomic region encompassing the full coding sequence of the ALMS1 gene has been identified. The boundaries of this event are unknown as the deletion extends beyond the assayed region for this gene and therefore may encompass additional genes. This variant has not been reported in the literature in individuals with ALMS1-related conditions. Loss-of-function variants in ALMS1 are known to be pathogenic (PMID: 17594715). For these reasons, this variant has been classified as Pathogenic.

Literature cited by the submitters: PubMed 17594715.

NC_000002.11:g.(?_73612987)_(73836749_?)del

Gene: ALMS1 (ALMS1 centrosome and basal body associated protein; plus strand). Cytogenetic location: 2p13.1.
Variant type: Deletion.
Identifiers: ClinVar variation 830940 (VCV000830940.2).